The following is an entry in ClinVar:

ClinVar aggregate classification (germline): Uncertain significance. Review status: criteria provided, single submitter (1 of 4 stars). 2 submissions from 2 submitters: Uncertain significance (1). 1 of the submissions does not count toward it. Last evaluated 2022-10-13.

Conditions:
LAMA2-related muscular dystrophy (LAMA2-RD). Also called: Laminin alpha 2-related dystrophy. Identifiers: MedGen C5679788, MONDO:0100228.
Intellectual disability. Also called: intellectual disabilities; Intellectual developmental disorder; Intellectual functioning disability. Identifiers: MedGen C3714756, MeSH D008607, MONDO:0001071, HP:0001249.

Allele frequency attached by ClinVar (database versions not stated): TOPMed 0.00001; gnomAD exomes 0.00002; ExAC 0.00003; gnomAD 0.00001.
gnomAD v4.1: 32 of 1,613,764 alleles (0.002%); highest among the groups gnomAD compares: East Asian, 0.022%; no homozygotes.

Submissions (2):

Labcorp Genetics (formerly Invitae), Labcorp
Classification: Uncertain significance for LAMA2-related muscular dystrophy. Last evaluated: 2022-10-13. Review status: criteria provided, single submitter. Criteria: Invitae Variant Classification Sherloc (09022015). Collection method: clinical testing. Allele origin: germline.
Comment: This sequence change replaces valine, which is neutral and non-polar, with isoleucine, which is neutral and non-polar, at codon 2076 of the LAMA2 protein (p.Val2076Ile). This variant is present in population databases (rs767444868, gnomAD 0.006%). This variant has not been reported in the literature in individuals affected with LAMA2-related conditions. ClinVar contains an entry for this variant (Variation ID: 975425). Advanced modeling of protein sequence and biophysical properties (such as structural, functional, and spatial information, amino acid conservation, physicochemical variation, residue mobility, and thermodynamic stability) performed at Invitae indicates that this missense variant is not expected to disrupt LAMA2 protein function. In summary, the available evidence is currently insufficient to determine the role of this variant in disease. Therefore, it has been classified as a Variant of Uncertain Significance.

Centre de Biologie Pathologie Génétique, Centre Hospitalier Universitaire de Lille
Classification: Likely benign for Intellectual disability. Last evaluated: 2019-01-01. Review status: no assertion criteria provided. Collection method: clinical testing. Allele origin: inherited. Affected: yes. Not counted in ClinVar's aggregate classification.

NM_000426.4(LAMA2):c.6226G>A (p.Val2076Ile)

Genes: LAMA2 (laminin subunit alpha 2; plus strand), LOC123864065 (Sharpr-MPRA regulatory region 661; plus strand). Cytogenetic location: 6q22.33.
Variant type: single nucleotide variant.
Coding change: c.6226G>A on transcript NM_000426.4 (MANE Select); coding-DNA position 6226, G replaced by A.
Protein change: p.Val2076Ile; replaces valine 2076 with isoleucine.
Molecular consequence: missense variant.
Genome position (GRCh38, 1-based): chr6:129,440,956, G>A. VCF-style: chr6-129440956-G-A. GRCh37 (hg19) VCF-style: chr6-129762101-G-A.
Other names: c.6226G>A, p.Val2076Ile (NM_001079823.2); short protein forms V2076I.
Identifiers: ClinVar variation 975425 (VCV000975425.3), dbSNP rs767444868, ClinGen allele CA3994139.
Genomic context (GRCh38, chr6:129,440,956, plus strand): 5'-ACAGAGCTCCACCAGAACCTCGATGGCCTGAAGAAGAATTACAATAAACTAGCAGACAGC[G>A]TCGCCAAAACGAATGCTGTGGTTAAAGATCCTTCCAAGAACAGTAAGATCTCCTTTTTCA-3'
Protein context (NP_000417.3, residues 2066-2086): KKNYNKLADS[Val2076Ile]AKTNAVVKDP